The following is an entry in ClinVar:

NM_006180.6(NTRK2):c.28C>T (p.Pro10Ser)

Gene: NTRK2 (neurotrophic receptor tyrosine kinase 2; plus strand). Cytogenetic location: 9q21.33.
Variant type: single nucleotide variant.
Coding change: c.28C>T on transcript NM_006180.6 (MANE Select); coding-DNA position 28, C replaced by T.
Protein change: p.Pro10Ser; replaces proline 10 with serine.
Molecular consequence: missense variant.
Genome position (GRCh38, 1-based): chr9:84,670,776, C>T. VCF-style: chr9-84670776-C-T. GRCh37 (hg19) VCF-style: chr9-87285691-C-T.
Other names: c.28C>T (NM_006180.4); c.28C>T, p.Pro10Ser (NM_001007097.3, NM_001018064.3, NM_001018065.2 and 18 more transcripts); short protein forms P10S.
Identifiers: ClinVar variation 4738145 (VCV004738145.2).
Genomic context (GRCh38, chr9:84,670,776, plus strand): 5'-GACAGGCACTCGGGCTGGCACTGGCTGCTAGGGATGTCGTCCTGGATAAGGTGGCATGGA[C>T]CCGCCATGGCGCGGCTCTGGGGCTTCTGCTGGCTGGTTGTGGGCTTCTGGAGGGCCGCTT-3'
Protein context (NP_006171.2, residues 1-20): MSSWIRWHG[Pro10Ser]AMARLWGFCW

ClinVar aggregate classification (germline): Uncertain significance. Review status: criteria provided, multiple submitters, no conflicts (2 of 4 stars). 2 submissions from 2 submitters: Uncertain significance (2). Last evaluated 2026-06-25.

Conditions:
NTRK2-related disorder. Also called: NTRK2-related condition.

gnomAD v4.1: 14 of 1,613,638 alleles (0.00087%); highest among the groups gnomAD compares: Admixed American, 0.0017%; no homozygotes.

Submissions (2):

PreventionGenetics, part of Exact Sciences
Classification: Uncertain significance for NTRK2-related condition. Last evaluated: 2026-06-25. Review status: criteria provided, single submitter. Criteria: ACMG Guidelines, 2015. Collection method: clinical testing. Allele origin: germline.
Comment: The NTRK2 c.28C>T variant is predicted to result in the amino acid substitution p.Pro10Ser. To our knowledge, this variant has not been reported in the literature. This variant is reported in 0.0028% of alleles in individuals of Latino descent in gnomAD. At this time, the clinical significance of this variant is uncertain due to the absence of conclusive functional and genetic evidence.

Labcorp Genetics (formerly Invitae), Labcorp
Classification: Uncertain significance. Last evaluated: 2025-10-02. Review status: criteria provided, single submitter. Criteria: Invitae Variant Classification Sherloc (09022015). Collection method: clinical testing. Allele origin: germline.
Comment: This sequence change replaces proline, which is neutral and non-polar, with serine, which is neutral and polar, at codon 10 of the NTRK2 protein (p.Pro10Ser). This variant is present in population databases (no rsID available, gnomAD 0.003%). This variant has not been reported in the literature in individuals affected with NTRK2-related conditions. An algorithm developed to predict the effect of missense changes on protein structure and function (PolyPhen-2) suggests that this variant is likely to be disruptive. In summary, the available evidence is currently insufficient to determine the role of this variant in disease. Therefore, it has been classified as a Variant of Uncertain Significance.